The following is an entry in ClinVar:

ClinVar aggregate classification (germline): Uncertain significance (1 of 4 stars; one submission).

Allele frequency attached by ClinVar (database versions not stated): ExAC 0.00002; gnomAD 0.00003; TOPMed 0.00005.

Submission:

Labcorp Genetics (formerly Invitae), Labcorp
Classification: Uncertain significance. Last evaluated: 2022-08-16. Review status: criteria provided, single submitter. Criteria: Invitae Variant Classification Sherloc (09022015). Collection method: clinical testing. Allele origin: germline.
Comment: In summary, the available evidence is currently insufficient to determine the role of this variant in disease. Therefore, it has been classified as a Variant of Uncertain Significance. Algorithms developed to predict the effect of missense changes on protein structure and function (SIFT, PolyPhen-2, Align-GVGD) all suggest that this variant is likely to be tolerated. This variant has not been reported in the literature in individuals affected with PLD3-related conditions. This variant is present in population databases (rs750417438, gnomAD 0.008%). This sequence change replaces arginine, which is basic and polar, with glutamine, which is neutral and polar, at codon 319 of the PLD3 protein (p.Arg319Gln).

NM_012268.4(PLD3):c.956G>A (p.Arg319Gln)

Gene: PLD3 (phospholipase D family member 3; plus strand). Cytogenetic location: 19q13.2.
Variant type: single nucleotide variant.
Coding change: c.956G>A on transcript NM_012268.4 (MANE Select); coding-DNA position 956, G replaced by A.
Protein change: p.Arg319Gln; replaces arginine 319 with glutamine.
Molecular consequence: missense variant.
Genome position (GRCh38, 1-based): chr19:40,374,557, G>A. VCF-style: chr19-40374557-G-A. GRCh37 (hg19) VCF-style: chr19-40880464-G-A.
Other names: c.956G>A, p.Arg319Gln (NM_001031696.4, NM_001291311.2); short protein forms R319Q.
Identifiers: ClinVar variation 2186806 (VCV002186806.4), dbSNP rs750417438, ClinGen allele CA9442882.
Genomic context (GRCh38, chr19:40,374,557, plus strand): 5'-TGTGTCCAAGTGGCCGCACTCCAGACCTGAAGGCTCTACTCAACGTGGTGGACAATGCCC[G>A]GAGTTTCATCTACGTCGCTGTCATGAACTACCTGCCCACTCTGGAGTTCTCCCACCCTCA-3'
Protein context (NP_036400.2, residues 309-329): KALLNVVDNA[Arg319Gln]SFIYVAVMNY